The following is an entry in ClinVar:

ClinVar aggregate classification (germline): Uncertain significance. Review status: criteria provided, multiple submitters, no conflicts (2 of 4 stars). 2 submissions from 2 submitters: Uncertain significance (2). Last evaluated 2025-04-14.

Conditions:
Long QT syndrome (LQTS). Identifiers: MedGen C0023976, MeSH D008133, MONDO:0002442. Disease mechanism: loss of function. Inheritance: Various modes of inheritance.
Cardiovascular phenotype. Identifiers: MedGen CN230736.

Allele frequency attached by ClinVar (database versions not stated): gnomAD exomes below 0.00001; ExAC 0.00001; TOPMed 0.00001.
gnomAD v4.1: 3 of 1,614,126 alleles (0.00019%); highest among the groups gnomAD compares: African/African-American, 0.0013%; no homozygotes.

Submissions (2):

Ambry Genetics
Classification: Uncertain significance for Cardiovascular phenotype. Last evaluated: 2025-04-14. Review status: criteria provided, single submitter. Criteria: Ambry Variant Classification Scheme 2023. Collection method: clinical testing. Allele origin: germline.
Comment: The p.A2347T variant (also known as c.7039G>A), located in coding exon 38 of the ANK2 gene, results from a G to A substitution at nucleotide position 7039. The alanine at codon 2347 is replaced by threonine, an amino acid with similar properties. This amino acid position is conserved. In addition, this alteration is predicted to be tolerated by in silico analysis. Based on the available evidence, the clinical significance of this variant remains unclear.

Labcorp Genetics (formerly Invitae), Labcorp
Classification: Uncertain significance for Long QT syndrome. Last evaluated: 2022-07-13. Review status: criteria provided, single submitter. Criteria: Invitae Variant Classification Sherloc (09022015). Collection method: clinical testing. Allele origin: germline.
Comment: This sequence change replaces alanine, which is neutral and non-polar, with threonine, which is neutral and polar, at codon 2347 of the ANK2 protein (p.Ala2347Thr). This variant is present in population databases (rs773506777, gnomAD 0.0009%). This variant has not been reported in the literature in individuals affected with ANK2-related conditions. Algorithms developed to predict the effect of missense changes on protein structure and function (SIFT, PolyPhen-2, Align-GVGD) all suggest that this variant is likely to be tolerated. In summary, the available evidence is currently insufficient to determine the role of this variant in disease. Therefore, it has been classified as a Variant of Uncertain Significance.

NM_001148.6(ANK2):c.7039G>A (p.Ala2347Thr)

Genes: ANK2 (ankyrin 2; plus strand), LOC126807137 (CDK7 strongly-dependent group 2 enhancer GRCh37_chr4:114276560-114277759; plus strand). Cytogenetic location: 4q26.
Variant type: single nucleotide variant.
Coding change: c.7039G>A on transcript NM_001148.6 (MANE Select); coding-DNA position 7039, G replaced by A.
Protein change: p.Ala2347Thr; replaces alanine 2347 with threonine.
Molecular consequence: missense variant. On other transcripts: intron variant (68).
Genome position (GRCh38, 1-based): chr4:113,355,657, G>A. VCF-style: chr4-113355657-G-A. GRCh37 (hg19) VCF-style: chr4-114276813-G-A.
Other names: c.6805G>A, p.Ala2269Thr (NM_001386142.1); c.3439G>A, p.Ala1147Thr (NM_001386166.1); c.7180G>A, p.Ala2394Thr (NM_001386174.1); c.7156G>A, p.Ala2386Thr (NM_001386175.1); c.4412-5166G>A (NM_001386186.2, NM_001386148.2); c.4214-5166G>A (NM_001354269.3); c.4292-5166G>A (NM_001386187.2); c.4253-5166G>A (NM_001386147.1); and 35 more; short protein forms A2269T, A2347T, A1147T, A2386T, A2394T.
Identifiers: ClinVar variation 1977341 (VCV001977341.6), dbSNP rs773506777, ClinGen allele CA3051517.